The following is an entry in ClinVar:

NM_000051.4(ATM):c.3865A>T (p.Lys1289Ter)

Gene: ATM (ATM serine/threonine kinase; plus strand). Cytogenetic location: 11q22.3.
Variant type: single nucleotide variant.
Coding change: c.3865A>T on transcript NM_000051.4 (MANE Select); coding-DNA position 3865, A replaced by T.
Protein change: p.Lys1289Ter; replaces lysine 1289 with a stop codon.
Molecular consequence: nonsense.
Genome position (GRCh38, 1-based): chr11:108,284,345, A>T. VCF-style: chr11-108284345-A-T. GRCh37 (hg19) VCF-style: chr11-108155072-A-T.
Other names: c.3865A>T, p.Lys1289Ter (NM_001351834.2); short protein forms K1289*.
Identifiers: ClinVar variation 429077 (VCV000429077.14), dbSNP rs1131691160, ClinGen allele CA382525312.
Genomic context (GRCh38, chr11:108,284,345, plus strand): 5'-AAGTCCATTGCTAATCAGATTCAAGAGGACTGGAAAAGTCTTCTAACAGACTGCTTTCCA[A>T]AGATTCTTGTAAATATTCTTCCTTATTTTGCCTATGAGGGTACCAGAGACAGTGGGATGG-3'

ClinVar aggregate classification (germline): Pathogenic. Review status: criteria provided, multiple submitters, no conflicts (2 of 4 stars). 3 submissions from 3 submitters: Pathogenic (3). Last evaluated 2026-04-28.

Conditions:
Hereditary cancer-predisposing syndrome. Also called: Hereditary Cancer Syndrome; Tumor predisposition; Hereditary neoplastic syndrome; Neoplastic Syndromes, Hereditary. Identifiers: Orphanet 140162, MedGen C0027672, MeSH D009386, MONDO:0015356.
Ataxia-telangiectasia syndrome (AT). Also called: Ataxia telangiectasia (A-T); Cerebello-oculocutaneous telangiectasia; Immunodeficiency with ataxia telangiectasia; LOUIS-BAR SYNDROME; ATAXIA-TELANGIECTASIA, COMPLEMENTATION GROUP A; ATAXIA-TELANGIECTASIA, FRESNO VARIANT. Identifiers: Orphanet 100, MedGen C0004135, MONDO:0008840, OMIM 208900.
Familial cancer of breast. Also called: Hereditary breast cancer; BREAST CANCER, FAMILIAL; hereditary breast carcinoma. Identifiers: Orphanet 227535, MedGen C0346153, MONDO:0016419, OMIM 114480. Disease mechanism: loss of function.

Submissions (3):

Ambry Genetics
Classification: Pathogenic for Hereditary cancer-predisposing syndrome. Last evaluated: 2026-04-28. Review status: criteria provided, single submitter. Criteria: Ambry Variant Classification Scheme 2023. Collection method: clinical testing. Allele origin: germline.
Comment: The p.K1289* pathogenic mutation (also known as c.3865A>T), located in coding exon 25 of the ATM gene, results from an A to T substitution at nucleotide position 3865. This changes the amino acid from a lysine to a stop codon within coding exon 25. This variant is considered to be rare based on population cohorts in the Genome Aggregation Database (gnomAD). This alteration is expected to result in loss of function by premature protein truncation or nonsense-mediated mRNA decay. As such, this alteration is interpreted as a disease-causing mutation.

Labcorp Genetics (formerly Invitae), Labcorp
Classification: Pathogenic for Ataxia-telangiectasia syndrome. Last evaluated: 2026-01-15. Review status: criteria provided, single submitter. Criteria: Invitae Variant Classification Sherloc (09022015). Collection method: clinical testing. Allele origin: germline.
Comment: This sequence change creates a premature translational stop signal (p.Lys1289*) in the ATM gene. It is expected to result in an absent or disrupted protein product. Loss-of-function variants in ATM are known to be pathogenic (PMID: 23807571, 25614872). This variant is not present in population databases (gnomAD no frequency). This premature translational stop signal has been observed in individual(s) with breast cancer (PMID: 32427313). ClinVar contains an entry for this variant (Variation ID: 429077). For these reasons, this variant has been classified as Pathogenic.

Myriad Genetics, Inc.
Classification: Pathogenic for Familial cancer of breast. Last evaluated: 2024-01-23. Review status: criteria provided, single submitter. Criteria: Myriad Autosomal Dominant, Autosomal Recessive and X-Linked Classification Criteria (2023). Collection method: clinical testing. Allele origin: unknown.
Comment: This variant is considered pathogenic. This variant creates a termination codon and is predicted to result in premature protein truncation.

Literature cited by the submitters: PubMed 23807571 (cited by Labcorp Genetics (formerly Invitae), Labcorp); PubMed 25614872 (cited by Labcorp Genetics (formerly Invitae), Labcorp); PubMed 32427313 (cited by Labcorp Genetics (formerly Invitae), Labcorp).